The following is an entry in ClinVar:

NM_001099287.2(NIPAL4):c.291C>T (p.Phe97=)

Gene: NIPAL4 (NIPA like domain containing 4; plus strand). Cytogenetic location: 5q33.3.
Variant type: single nucleotide variant.
Coding change: c.291C>T on transcript NM_001099287.2 (MANE Select); coding-DNA position 291, C replaced by T.
Protein change: p.Phe97=; no amino-acid change (phenylalanine 97 retained).
Molecular consequence: synonymous variant. On other transcripts: intron variant (1).
Genome position (GRCh38, 1-based): chr5:157,467,062, C>T. VCF-style: chr5-157467062-C-T. GRCh37 (hg19) VCF-style: chr5-156894070-C-T.
Other names: c.278-1660C>T (NM_001172292.2).
Identifiers: ClinVar variation 713683 (VCV000713683.14), dbSNP rs372617924, ClinGen allele CA3534587.
Genomic context (GRCh38, chr5:157,467,062, plus strand): 5'-AAGTGTGGCCAAGTTCCATCCTAACTTTGTGTCCATTCCCTCCACAGTGGATGGAGGCTT[C>T]GGCTACCTGAAAGATGCAATGTGGTGGGCTGGATTTCTCACCAGTAAGTGGGTTGTTTGT-3'
Protein context (NP_001092757.2, residues 87-107): TGATRAVDGG[Phe97=]GYLKDAMWWA

ClinVar aggregate classification (germline): Benign/Likely benign. Review status: criteria provided, multiple submitters, no conflicts (2 of 4 stars). 3 submissions from 3 submitters: Benign (1); Likely benign (2). Last evaluated 2026-03-01.

Allele frequency attached by ClinVar (database versions not stated): ExAC 0.00039; gnomAD exomes 0.00043 and 0.00097; gnomAD 0.00050 and 0.00054; TOPMed 0.00053; 1000 Genomes Project 0.00060; 1000 Genomes Project 30x 0.00062; ESP Exome Variant Server 0.00090.
gnomAD v4.1: 1,469 of 1,610,668 alleles (0.091%); highest among the groups gnomAD compares: Non-Finnish European, 0.11%; 3 homozygotes.

Submissions (3):

CeGaT Center for Human Genetics Tuebingen
Classification: Likely benign. Last evaluated: 2026-03-01. Review status: criteria provided, single submitter. Criteria: CeGaT Center For Human Genetics Tuebingen Variant Classification Criteria Version 2. Collection method: clinical testing. Allele origin: germline. Affected: yes. Observed: 1 variant allele.
Comment: NIPAL4: BP4, BP7

Labcorp Genetics (formerly Invitae), Labcorp
Classification: Benign. Last evaluated: 2026-01-24. Review status: criteria provided, single submitter. Criteria: Invitae Variant Classification Sherloc (09022015). Collection method: clinical testing. Allele origin: germline.

Blueprint Genetics
Classification: Likely benign. Last evaluated: 2024-10-30. Review status: criteria provided, single submitter. Criteria: ACMG Guidelines, 2015. Collection method: clinical testing. Allele origin: germline.